The following is an entry in ClinVar:

ClinVar aggregate classification (germline): Uncertain significance (1 of 4 stars; one submission).

Submission:

Labcorp Genetics (formerly Invitae), Labcorp
Classification: Uncertain significance. Last evaluated: 2023-06-10. Review status: criteria provided, single submitter. Criteria: Invitae Variant Classification Sherloc (09022015). Collection method: clinical testing. Allele origin: germline.
Comment: In summary, the available evidence is currently insufficient to determine the role of this variant in disease. Therefore, it has been classified as a Variant of Uncertain Significance. An algorithm developed to predict the effect of missense changes on protein structure and function (PolyPhen-2) suggests that this variant is likely to be tolerated. This variant has not been reported in the literature in individuals affected with HNRNPK-related conditions. This variant is not present in population databases (gnomAD no frequency). This sequence change replaces aspartic acid, which is acidic and polar, with glutamic acid, which is acidic and polar, at codon 128 of the HNRNPK protein (p.Asp128Glu).

NM_031263.4(HNRNPK):c.384T>A (p.Asp128Glu)

Genes: HNRNPK (heterogeneous nuclear ribonucleoprotein K; minus strand), HNRNPK-AS1 (HNRNPK antisense RNA 1; plus strand). Cytogenetic location: 9q21.32.
Variant type: single nucleotide variant.
Coding change: c.384T>A on transcript NM_031263.4 (MANE Select); coding-DNA position 384, T replaced by A.
Protein change: p.Asp128Glu; replaces aspartic acid 128 with glutamic acid.
Molecular consequence: missense variant. On other transcripts: intron variant (2).
Genome position (GRCh38, 1-based): chr9:83,973,920, A>T on the plus strand (T>A on the coding strand, the complement: HNRNPK is on the minus strand). VCF-style: chr9-83973920-A-T. GRCh37 (hg19) VCF-style: chr9-86588835-A-T.
Other names: c.384T>A, p.Asp128Glu (NM_001318188.2, NM_002140.5, NM_031262.4); c.331-521T>A (NM_001318186.2, NM_001318187.2); short protein forms D128E.
Identifiers: ClinVar variation 2709335 (VCV002709335.3), dbSNP rs2491990585, ClinGen allele CA373928012.
Genomic context (GRCh38, chr9:83,973,920, plus strand): 5'-AGGCTCCATACTTCAGTGGGGTTCAATGGCACTATGACATACATTTAAGCATTCCACAGC[A>T]TCAGATTCGAGCGGGAGCTGGCTGGTTGCAGTGGGTGATGGCAACTGCAGGCCCTGAAAG-3'
Protein context (NP_112553.1, residues 118-138): TATSQLPLES[Asp128Glu]AVECLNYQHY